The following is an entry in ClinVar:

NM_001035.3(RYR2):c.12569T>G (p.Val4190Gly)

Genes: RYR2 (ryanodine receptor 2; plus strand), LOC126806068 (BRD4-independent group 4 enhancer GRCh37_chr1:237947411-237948610; plus strand). Cytogenetic location: 1q43.
Variant type: single nucleotide variant.
Coding change: c.12569T>G on transcript NM_001035.3 (MANE Select); coding-DNA position 12569, T replaced by G.
Protein change: p.Val4190Gly; replaces valine 4190 with glycine.
Molecular consequence: missense variant.
Genome position (GRCh38, 1-based): chr1:237,784,281, T>G. VCF-style: chr1-237784281-T-G. GRCh37 (hg19) VCF-style: chr1-237947581-T-G.
Other names: c.12569T>G, p.Val4190Gly (LRG_402t1); short protein forms V4190G.
Identifiers: ClinVar variation 420865 (VCV000420865.2), dbSNP rs1064794753, ClinGen allele CA16617110.

ClinVar aggregate classification (germline): Likely pathogenic (1 of 4 stars; one submission).

Submission:

GeneDx
Classification: Likely pathogenic. Last evaluated: 2017-08-09. Review status: criteria provided, single submitter. Criteria: GeneDx Variant Classification (06012015). Collection method: clinical testing. Allele origin: germline. Affected: yes.
Comment: The V4190G variant in the RYR2 gene has not been reported previously as a pathogenic variant, nor as a benign variant, to our knowledge. The V4190G variant was not observed in approximately 6200 individuals of European and African American ancestry in the NHLBI Exome Sequencing Project, indicating it is not a common benign variant in these populations. The V4190G variant is a conservative amino acid substitution, which is not likely to impact secondary protein structure as these residues share similar properties. This substitution occurs at a position that is conserved across species. In silico analysis predicts this variant is probably damaging to the protein structure/function. The V4190G variant is a strong candidate for a pathogenic variant, however, the possibility it may be a rare benign variant cannot be excluded.